The following is an entry in ClinVar:

ClinVar aggregate classification (germline): Uncertain significance. Review status: criteria provided, multiple submitters, no conflicts (2 of 4 stars). 4 submissions from 4 submitters: Uncertain significance (4). Last evaluated 2025-03-12.

Conditions:
RYR1-related disorder. Also called: RYR1-related condition; RYR1-related disorders. Identifiers: MedGen CN239331.
Malignant hyperthermia, susceptibility to, 1 (MHS1). Also called: Anesthesia related hyperthermia; Malignant hyperpyrexia; Fulminating hyperpyrexia; Pharmacogenic myopathy; RYR1-Related Malignant Hyperthermia Susceptibility; Malignant hyperthermia suceptibility 1. Identifiers: Orphanet 423, MedGen C2930980, MONDO:0007783, OMIM 145600.

Allele frequency attached by ClinVar (database versions not stated): TOPMed below 0.00001; ExAC 0.00001; gnomAD exomes 0.00001.
gnomAD v4.1: 3 of 1,613,936 alleles (0.00019%); highest among the groups gnomAD compares: Non-Finnish European, 0.00025%; no homozygotes.

Submissions (4):

GeneDx
Classification: Uncertain significance. Last evaluated: 2025-03-12. Review status: criteria provided, single submitter. Criteria: GeneDx Variant Classification Process June 2021. Collection method: clinical testing. Allele origin: germline. Affected: yes.
Comment: Not observed at significant frequency in large population cohorts (gnomAD); In silico analysis supports that this missense variant has a deleterious effect on protein structure/function; Has not been previously published as pathogenic or benign to our knowledge

Labcorp Genetics (formerly Invitae), Labcorp
Classification: Uncertain significance for RYR1-related disorder. Last evaluated: 2024-05-04. Review status: criteria provided, single submitter. Criteria: Invitae Variant Classification Sherloc (09022015). Collection method: clinical testing. Allele origin: germline.
Comment: This sequence change replaces glutamine, which is neutral and polar, with histidine, which is basic and polar, at codon 3530 of the RYR1 protein (p.Gln3530His). This variant is present in population databases (rs769001737, gnomAD 0.002%). This variant has not been reported in the literature in individuals affected with RYR1-related conditions. Advanced modeling of protein sequence and biophysical properties (such as structural, functional, and spatial information, amino acid conservation, physicochemical variation, residue mobility, and thermodynamic stability) performed at Invitae indicates that this missense variant is expected to disrupt RYR1 protein function with a positive predictive value of 95%. In summary, the available evidence is currently insufficient to determine the role of this variant in disease. Therefore, it has been classified as a Variant of Uncertain Significance.

CeGaT Center for Human Genetics Tuebingen
Classification: Uncertain significance. Last evaluated: 2023-12-01. Review status: criteria provided, single submitter. Criteria: CeGaT Center For Human Genetics Tuebingen Variant Classification Criteria Version 2. Collection method: clinical testing. Allele origin: germline. Affected: yes. Observed: 1 variant allele.
Comment: RYR1: PM2

Color Diagnostics, LLC DBA Color Health
Classification: Uncertain significance for Malignant hyperthermia, susceptibility to, 1. Last evaluated: 2023-11-29. Review status: criteria provided, single submitter. Criteria: ACMG Guidelines, 2015. Collection method: clinical testing. Allele origin: germline.
Comment: This missense variant replaces glutamine with histidine at codon 3530 of the RYR1 protein. Computational prediction suggests that this variant may have deleterious impact on protein structure and function. To our knowledge, functional studies have not been reported for this variant. This variant has not been reported in individuals affected with RYR1-related disorders in the literature. This variant has been identified in 2/251172 chromosomes in the general population by the Genome Aggregation Database (gnomAD). The available evidence is insufficient to determine the role of this variant in disease conclusively. Therefore, this variant is classified as a Variant of Uncertain Significance.

NM_000540.3(RYR1):c.10590A>C (p.Gln3530His)

Gene: RYR1 (ryanodine receptor 1; plus strand). Cytogenetic location: 19q13.2.
Variant type: single nucleotide variant.
Coding change: c.10590A>C on transcript NM_000540.3 (MANE Select); coding-DNA position 10590, A replaced by C.
Protein change: p.Gln3530His; replaces glutamine 3530 with histidine.
Molecular consequence: missense variant.
Genome position (GRCh38, 1-based): chr19:38,525,466, A>C. VCF-style: chr19-38525466-A-C. GRCh37 (hg19) VCF-style: chr19-39016106-A-C.
Other names: c.10575A>C, p.Gln3525His (NM_001042723.2); short protein forms Q3525H, Q3530H.
Identifiers: ClinVar variation 3025782 (VCV003025782.25), dbSNP rs769001737, ClinGen allele CA054057.